The following is an entry in ClinVar:

NM_004990.4(MARS1):c.2408A>C (p.Gln803Pro)

Gene: MARS1 (methionyl-tRNA synthetase 1; plus strand). Cytogenetic location: 12q13.3.
Variant type: single nucleotide variant.
Coding change: c.2408A>C on transcript NM_004990.4 (MANE Select); coding-DNA position 2408, A replaced by C.
Protein change: p.Gln803Pro; replaces glutamine 803 with proline.
Molecular consequence: missense variant.
Genome position (GRCh38, 1-based): chr12:57,515,936, A>C. VCF-style: chr12-57515936-A-C. GRCh37 (hg19) VCF-style: chr12-57909719-A-C.
Other names: short protein forms Q803P.
Identifiers: ClinVar variation 1029913 (VCV001029913.1), dbSNP rs1877788467, ClinGen allele CA385467016.

ClinVar aggregate classification (germline): Uncertain significance (1 of 4 stars; one submission).

Conditions:
Severe early-onset pulmonary alveolar proteinosis due to MARS deficiency. Also called: PULMONARY ALVEOLAR PROTEINOSIS, REUNION ISLAND; Interstitial lung and liver disease. Identifiers: Orphanet 440427, MedGen C4225400, MONDO:0014206, OMIM 615486.

Submission:

Baylor Genetics
Classification: Uncertain significance for Severe early-onset pulmonary alveolar proteinosis due to MARS deficiency. Last evaluated: 2019-03-13. Review status: criteria provided, single submitter. Criteria: ACMG Guidelines, 2015. Collection method: clinical testing. Allele origin: paternal. Affected: yes.
Comment: This variant was determined to be of uncertain significance according to ACMG Guidelines, 2015 [PMID:25741868].